The following is an entry in ClinVar:

ClinVar aggregate classification (germline): Uncertain significance. Review status: criteria provided, multiple submitters, no conflicts (2 of 4 stars). 2 submissions from 2 submitters: Uncertain significance (2). Last evaluated 2025-04-11.

Allele frequency attached by ClinVar (database versions not stated): gnomAD 0.00001; gnomAD exomes 0.00001; TOPMed below 0.00001.
gnomAD v4.1: 9 of 1,613,720 alleles (0.00056%); highest among the groups gnomAD compares: South Asian, 0.0011%; no homozygotes.

Submissions (2):

Labcorp Genetics (formerly Invitae), Labcorp
Classification: Uncertain significance. Last evaluated: 2025-04-11. Review status: criteria provided, single submitter. Criteria: Invitae Variant Classification Sherloc (09022015). Collection method: clinical testing. Allele origin: germline.
Comment: This sequence change replaces arginine, which is basic and polar, with tryptophan, which is neutral and slightly polar, at codon 642 of the ATRIP protein (p.Arg642Trp). This variant is present in population databases (no rsID available, gnomAD 0.0009%). This variant has not been reported in the literature in individuals affected with ATRIP-related conditions. ClinVar contains an entry for this variant (Variation ID: 3004932). An algorithm developed to predict the effect of missense changes on protein structure and function (PolyPhen-2) suggests that this variant is likely to be disruptive. In summary, the available evidence is currently insufficient to determine the role of this variant in disease. Therefore, it has been classified as a Variant of Uncertain Significance.

Ambry Genetics
Classification: Uncertain significance. Last evaluated: 2024-11-27. Review status: criteria provided, single submitter. Criteria: Ambry Variant Classification Scheme 2023. Collection method: clinical testing. Allele origin: germline.
Comment: The p.R642W variant (also known as c.1924C>T), located in coding exon 10 of the ATRIP gene, results from a C to T substitution at nucleotide position 1924. The arginine at codon 642 is replaced by tryptophan, an amino acid with dissimilar properties. This amino acid position is conserved. In addition, the in silico prediction for this alteration is inconclusive. Based on the available evidence, the clinical significance of this variant remains unclear.

NM_130384.3(ATRIP):c.1924C>T (p.Arg642Trp)

Genes: ATRIP (ATR interacting protein; plus strand), ATRIP-TREX1 (ATRIP-TREX1 readthrough; plus strand). Cytogenetic location: 3p21.31.
Variant type: single nucleotide variant.
Coding change: c.1924C>T on transcript NM_130384.3 (MANE Select); coding-DNA position 1924, C replaced by T.
Protein change: p.Arg642Trp; replaces arginine 642 with tryptophan.
Molecular consequence: missense variant. On other transcripts: non-coding transcript variant (1).
Genome position (GRCh38, 1-based): chr3:48,464,082, C>T. VCF-style: chr3-48464082-C-T. GRCh37 (hg19) VCF-style: chr3-48505481-C-T.
Other names: c.1543C>T, p.Arg515Trp (NM_001271022.2); c.1645C>T, p.Arg549Trp (NM_001271023.2); c.1924C>T, p.Arg642Trp (NM_032166.4); c.1924C>T (NM_130384.1); short protein forms R642W, R549W, R515W.
Identifiers: ClinVar variation 3004932 (VCV003004932.4), dbSNP rs1311348703, ClinGen allele CA352730903.